The following is an entry in ClinVar:

ClinVar aggregate classification (germline): Conflicting classifications of pathogenicity. Review status: criteria provided, conflicting classifications (1 of 4 stars). 3 submissions from 3 submitters: Uncertain significance (2); Likely benign (1). Last evaluated 2023-03-23.

Conditions:
Hereditary cancer-predisposing syndrome. Also called: Neoplastic Syndromes, Hereditary; Tumor predisposition; Hereditary Cancer Syndrome; Hereditary neoplastic syndrome. Identifiers: Orphanet 140162, MedGen C0027672, MeSH D009386, MONDO:0015356.
Hereditary breast ovarian cancer syndrome. Also called: Hereditary breast and ovarian cancer; Hereditary breast and ovarian cancer syndrome (HBOC); BRCA1- and BRCA2-Associated Hereditary Breast and Ovarian Cancer; Hereditary breast and ovarian cancer syndrome; Hereditary breast and/or ovarian cancer syndrome; Breast and ovarian cancer. Identifiers: Orphanet 145, MedGen C0677776, MeSH D061325, MONDO:0003582. Disease mechanism: loss of function.

Submissions (3):

University of Washington Department of Laboratory Medicine, University of Washington
Classification: Likely benign for Hereditary cancer-predisposing syndrome. Last evaluated: 2023-03-23. Review status: criteria provided, single submitter. Criteria: Dines et al. (Genet Med. 2020). Collection method: curation. Allele origin: germline.
Comment: Missense variant in a coldspot region where missense variants are very unlikely to be pathogenic (PMID:31911673).

BRCA2 exon 11 coldspot. Reclassification based on statistical prior probability.

Labcorp Genetics (formerly Invitae), Labcorp
Classification: Uncertain significance for Hereditary breast ovarian cancer syndrome. Last evaluated: 2018-10-29. Review status: criteria provided, single submitter. Criteria: Invitae Variant Classification Sherloc (09022015). Collection method: clinical testing. Allele origin: germline.
Comment: Algorithms developed to predict the effect of missense changes on protein structure and function output the following: SIFT: "Tolerated"; PolyPhen-2: "Benign"; Align-GVGD: "Class C0". The serine amino acid residue is found in multiple mammalian species, suggesting that this missense change does not adversely affect protein function. These predictions have not been confirmed by published functional studies and their clinical significance is uncertain. In summary, the available evidence is currently insufficient to determine the role of this variant in disease. Therefore, it has been classified as a Variant of Uncertain Significance. This variant has not been reported in the literature in individuals with BRCA2-related disease. This variant is not present in population databases (ExAC no frequency). This sequence change replaces threonine with serine at codon 810 of the BRCA2 protein (p.Thr810Ser). The threonine residue is weakly conserved and there is a small physicochemical difference between threonine and serine.

Quest Diagnostics Nichols Institute San Juan Capistrano
Classification: Uncertain significance. Last evaluated: 2018-10-26. Review status: criteria provided, single submitter. Criteria: Quest Diagnostics criteria. Collection method: clinical testing. Allele origin: germline.

NM_000059.4(BRCA2):c.2429C>G (p.Thr810Ser)

Gene: BRCA2 (BRCA2 DNA repair associated; plus strand). Cytogenetic location: 13q13.1.
Variant type: single nucleotide variant.
Coding change: c.2429C>G on transcript NM_000059.4 (MANE Select); coding-DNA position 2429, C replaced by G.
Protein change: p.Thr810Ser; replaces threonine 810 with serine.
Molecular consequence: missense variant.
Genome position (GRCh38, 1-based): chr13:32,336,784, C>G. VCF-style: chr13-32336784-C-G. GRCh37 (hg19) VCF-style: chr13-32910921-C-G.
Other names: short protein forms T810S.
Identifiers: ClinVar variation 640612 (VCV000640612.12), dbSNP rs80358509, ClinGen allele CA387772152.